The following is an entry in ClinVar:

NM_153240.5(NPHP3):c.572G>A (p.Arg191Lys)

Genes: NPHP3 (nephrocystin 3; minus strand), NPHP3-ACAD11 (NPHP3-ACAD11 readthrough (NMD candidate); minus strand). Cytogenetic location: 3q22.1.
Variant type: single nucleotide variant.
Coding change: c.572G>A on transcript NM_153240.5 (MANE Select); coding-DNA position 572, G replaced by A.
Protein change: p.Arg191Lys; replaces arginine 191 with lysine.
Molecular consequence: missense variant. On other transcripts: non-coding transcript variant (1).
Genome position (GRCh38, 1-based): chr3:132,719,092, C>T on the plus strand (G>A on the coding strand, the complement: NPHP3 is on the minus strand). VCF-style: chr3-132719092-C-T. GRCh37 (hg19) VCF-style: chr3-132437936-C-T.
Other names: short protein forms R191K.
Identifiers: ClinVar variation 2003836 (VCV002003836.4), dbSNP rs780401524, ClinGen allele CA2622559.

ClinVar aggregate classification (germline): Uncertain significance (1 of 4 stars; one submission).

Conditions:
Nephronophthisis. Also called: Juvenile Nephronophthisis. Identifiers: Orphanet 655, MedGen C0687120, MONDO:0019005, HP:0000090.

Allele frequency attached by ClinVar (database versions not stated): ExAC 0.00001.
gnomAD v4.1: 5 of 1,613,926 alleles (0.00031%); highest among the groups gnomAD compares: South Asian, 0.0033%; no homozygotes.

Submission:

Labcorp Genetics (formerly Invitae), Labcorp
Classification: Uncertain significance for Nephronophthisis. Last evaluated: 2022-06-05. Review status: criteria provided, single submitter. Criteria: Invitae Variant Classification Sherloc (09022015). Collection method: clinical testing. Allele origin: germline.
Comment: This variant has not been reported in the literature in individuals affected with NPHP3-related conditions. This variant is present in population databases (rs780401524, gnomAD 0.006%). This sequence change replaces arginine, which is basic and polar, with lysine, which is basic and polar, at codon 191 of the NPHP3 protein (p.Arg191Lys). In summary, the available evidence is currently insufficient to determine the role of this variant in disease. Therefore, it has been classified as a Variant of Uncertain Significance. Algorithms developed to predict the effect of missense changes on protein structure and function are either unavailable or do not agree on the potential impact of this missense change (SIFT: "Deleterious"; PolyPhen-2: "Benign"; Align-GVGD: "Class C0").